The following is an entry in ClinVar:

ClinVar aggregate classification (germline): Benign. Review status: criteria provided, multiple submitters, no conflicts (2 of 4 stars). 2 submissions from 2 submitters: Benign (2). Last evaluated 2018-01-13.

Conditions:
Essential fructosuria. Also called: HEPATIC FRUCTOKINASE DEFICIENCY; KETOHEXOKINASE DEFICIENCY. Identifiers: Orphanet 2056, MedGen C0268160, MONDO:0009252, OMIM 229800.

Allele frequency attached by ClinVar (database versions not stated): gnomAD 0.00447 and 0.00463; TOPMed 0.00475; ESP Exome Variant Server 0.00531; 1000 Genomes Project 0.00739; 1000 Genomes Project 30x 0.00734.
gnomAD v4.1: 1,288 of 1,613,628 alleles (0.08%); highest among the groups gnomAD compares: African/African-American, 1.5%; 9 homozygotes.

Submissions (2):

Illumina Laboratory Services, Illumina
Classification: Benign for Essential fructosuria. Last evaluated: 2018-01-13. Review status: criteria provided, single submitter. Criteria: ICSL Variant Classification Criteria 13 December 2019. Collection method: clinical testing. Allele origin: germline.
Comment: This variant was observed in the ICSL laboratory as part of a predisposition screen in an ostensibly healthy population. It had not been previously curated by ICSL or reported in the Human Gene Mutation Database (HGMD: prior to June 1st, 2018), and was therefore a candidate for classification through an automated scoring system. Utilizing variant allele frequency, disease prevalence and penetrance estimates, and inheritance mode, an automated score was calculated to assess if this variant is too frequent to cause the disease. Based on the score and internal cut-off values, a variant classified as benign is not then subjected to further curation. The score for this variant resulted in a classification of benign for this disease.

Breakthrough Genomics
Classification: Benign. Review status: criteria provided, single submitter. Criteria: ACMG Guidelines, 2015. Collection method: not provided. Allele origin: germline. Inheritance: Autosomal recessive inheritance. Affected: yes.

NM_006488.3(KHK):c.159C>T (p.Leu53=)

Gene: KHK (ketohexokinase; plus strand). Cytogenetic location: 2p23.3.
Variant type: single nucleotide variant.
Coding change: c.159C>T on transcript NM_006488.3 (MANE Select); coding-DNA position 159, C replaced by T.
Protein change: p.Leu53=; no amino-acid change (leucine 53 retained).
Molecular consequence: synonymous variant.
Genome position (GRCh38, 1-based): chr2:27,092,398, C>T. VCF-style: chr2-27092398-C-T. GRCh37 (hg19) VCF-style: chr2-27315266-C-T.
Other names: c.159C>T, p.Leu53= (NM_000221.3).
Identifiers: ClinVar variation 335483 (VCV000335483.6), dbSNP rs112920456, ClinGen allele CA1569118.